The following is an entry in ClinVar:

NM_057175.5(NAA15):c.2298_2299dup (p.Ser767fs)

Gene: NAA15 (N-alpha-acetyltransferase 15, NatA auxiliary subunit; plus strand). Cytogenetic location: 4q31.1.
Variant type: Duplication.
Coding change: c.2298_2299dup on transcript NM_057175.5 (MANE Select); coding-DNA positions 2298 to 2299, 2 bases duplicated (AT; older notation c.2298_2299dupAT).
Protein change: p.Ser767fs; shifts the reading frame from serine 767.
Molecular consequence: frameshift variant.
Genome position (GRCh38, 1-based): chr4:139,384,974-139,384,975, AT duplicated; duplicating any 2 consecutive bases within chr4:139,384,973-139,384,975 gives the same sequence; the c. name uses the placement nearest the transcript's 3' end. VCF-style (leftmost placement, unchanged base first): chr4-139384972-T-TTA. GRCh37 (hg19) VCF-style: chr4-140306126-T-TTA.
Other names: c.2295_2296dup, p.Ser766Tyrfs (NM_001410842.1); c.*707_*708dup (NM_025085.2); short protein forms S767fs.
Identifiers: ClinVar variation 2232084 (VCV002232084.2), dbSNP rs2530480700, ClinGen allele CA2580071550.

ClinVar aggregate classification (germline): Pathogenic (1 of 4 stars; one submission).

Conditions:
Inborn genetic diseases. Identifiers: MedGen C0950123, MeSH D030342.

Submission:

Ambry Genetics
Classification: Pathogenic for Inborn genetic diseases. Last evaluated: 2021-06-28. Review status: criteria provided, single submitter. Criteria: Ambry Variant Classification Scheme 2023. Collection method: clinical testing. Allele origin: germline.
Comment: The c.2298_2299dupAT (p.S767Yfs*10) alteration, located in exon 18 (coding exon 18) of the NAA15 gene, consists of a duplication of AT at position 2298, causing a translational frameshift with a predicted alternate stop codon after 10 amino acids. This alteration is expected to result in loss of function by premature protein truncation or nonsense-mediated mRNA decay. Based on data from the Genome Aggregation Database (gnomAD), the NAA15 c.2298_2299dupAT alteration was not observed, with coverage at this position. Based on the available evidence, this alteration is classified as pathogenic.